The following continues an entry in ClinVar:

NM_001165963.4(SCN1A):c.580G>A (p.Asp194Asn)

Gene: SCN1A. ClinVar aggregate classification (germline): Pathogenic/Likely pathogenic. Pathogenic (13); Likely pathogenic (2).

Submissions 11 to 16 of 16:

GeneDx
Classification: Pathogenic. Last evaluated: 2022-09-29. Review status: criteria provided, single submitter. Criteria: GeneDx Variant Classification Process June 2021. Collection method: clinical testing. Allele origin: germline. Affected: yes.
Comment: Not observed at significant frequency in large population cohorts (gnomAD); Missense variants in this gene are often considered pathogenic (HGMD); In silico analysis supports that this missense variant has a deleterious effect on protein structure/function; This substitution is predicted to be within the transmembrane segment S3 of the first homologous domain; This variant is associated with the following publications: (PMID: 19586930, 17054684, 26005841, 25754450, 17347258, 33067208, 18804930, 28150151, 23662938, 22151702, 19589774, 26076853, 20562086, 29141279, 30368457, 30868114, 32613771)

Revvity Omics, Revvity
Classification: Likely pathogenic. Last evaluated: 2022-09-12. Review status: criteria provided, single submitter. Criteria: ACMG Guidelines, 2015. Collection method: clinical testing. Allele origin: germline.

Mendelics
Classification: Pathogenic for Severe myoclonic epilepsy in infancy. Last evaluated: 2019-05-28. Review status: criteria provided, single submitter. Criteria: Mendelics Assertion Criteria 2017. Collection method: clinical testing. Allele origin: unknown.

Clinical Genetics Service, Universitary Hospital 12 de Octubre
Classification: Pathogenic for Severe myoclonic epilepsy in infancy. Review status: criteria provided, single submitter. Criteria: ACMG Guidelines, 2015. Collection method: clinical testing. Allele origin: germline. Affected: yes.

Pediatric Department, Xiangya Hospital, Central South University
Classification: Pathogenic for Dravet syndrome. Review status: criteria provided, single submitter. Criteria: ACMG Guidelines, 2015. Collection method: research. Allele origin: de novo. Affected: yes.

UniProtKB/Swiss-Prot
No classification provided. Condition: Severe myoclonic epilepsy in infancy. Review status: no classification provided. Collection method: not provided. Allele origin: unknown. Not counted in ClinVar's aggregate classification.

Literature cited by the submitters: PubMed 18930999 (cited by 3billion and Ambry Genetics); PubMed 17054684 (cited by 3 submitters); PubMed 25459968 (cited by 3billion and Ambry Genetics); PubMed 32613771 (cited by 3billion and Ambry Genetics); PubMed 17347258 (cited by Women's Health and Genetics/Laboratory Corporation of America, LabCorp); PubMed 28012175 (cited by Women's Health and Genetics/Laboratory Corporation of America, LabCorp); PubMed 38081334 (cited by Women's Health and Genetics/Laboratory Corporation of America, LabCorp); PubMed 19589774 (cited by Labcorp Genetics (formerly Invitae), Labcorp and Ambry Genetics); PubMed 20562086 (cited by Labcorp Genetics (formerly Invitae), Labcorp and Ambry Genetics); PubMed 23662938 (cited by Labcorp Genetics (formerly Invitae), Labcorp and Ambry Genetics); PubMed 29141279 (cited by Ambry Genetics); PubMed 30868114 (cited by Ambry Genetics); PubMed 31440721 (cited by Ambry Genetics); PubMed 35072530 (cited by Ambry Genetics).